The following is an entry in ClinVar:

ClinVar aggregate classification (germline): Uncertain significance (1 of 4 stars; one submission).

Conditions:
Hypertrophic cardiomyopathy. Also called: HYPERTROPHIC MYOCARDIOPATHY. Identifiers: Orphanet 217569, MedGen C0007194, MeSH D002312, MONDO:0005045, HP:0001639.

Submission:

Labcorp Genetics (formerly Invitae), Labcorp
Classification: Uncertain significance for Hypertrophic cardiomyopathy. Last evaluated: 2021-12-21. Review status: criteria provided, single submitter. Criteria: Invitae Variant Classification Sherloc (09022015). Collection method: clinical testing. Allele origin: germline.
Comment: This sequence change replaces phenylalanine, which is neutral and non-polar, with serine, which is neutral and polar, at codon 1137 of the MYBPC3 protein (p.Phe1137Ser). In summary, the available evidence is currently insufficient to determine the role of this variant in disease. Therefore, it has been classified as a Variant of Uncertain Significance. Algorithms developed to predict the effect of missense changes on protein structure and function (SIFT, PolyPhen-2, Align-GVGD) all suggest that this variant is likely to be disruptive. This variant has not been reported in the literature in individuals affected with MYBPC3-related conditions. This variant is not present in population databases (gnomAD no frequency).

NM_000256.3(MYBPC3):c.3410T>C (p.Phe1137Ser)

Gene: MYBPC3 (myosin binding protein C3; minus strand). Cytogenetic location: 11p11.2.
Variant type: single nucleotide variant.
Coding change: c.3410T>C on transcript NM_000256.3 (MANE Select); coding-DNA position 3410, T replaced by C.
Protein change: p.Phe1137Ser; replaces phenylalanine 1137 with serine.
Molecular consequence: missense variant.
Genome position (GRCh38, 1-based): chr11:47,332,894, A>G on the plus strand (T>C on the coding strand, the complement: MYBPC3 is on the minus strand). VCF-style: chr11-47332894-A-G. GRCh37 (hg19) VCF-style: chr11-47354445-A-G.
Other names: short protein forms F1137S.
Identifiers: ClinVar variation 2051081 (VCV002051081.4), dbSNP rs2495738701, ClinGen allele CA380313500.